The following is an entry in ClinVar:

NM_001024613.4(FEZF1):c.263C>T (p.Ala88Val)

Genes: FEZF1 (FEZ family zinc finger 1; minus strand), FEZF1-AS1 (FEZF1 antisense RNA 1; plus strand). Cytogenetic location: 7q31.32.
Variant type: single nucleotide variant.
Coding change: c.263C>T on transcript NM_001024613.4 (MANE Select); coding-DNA position 263, C replaced by T.
Protein change: p.Ala88Val; replaces alanine 88 with valine.
Molecular consequence: missense variant. On other transcripts: non-coding transcript variant (1).
Genome position (GRCh38, 1-based): chr7:122,304,175, G>A on the plus strand (C>T on the coding strand, the complement: FEZF1 is on the minus strand). VCF-style: chr7-122304175-G-A. GRCh37 (hg19) VCF-style: chr7-121944229-G-A.
Other names: c.263C>T, p.Ala88Val (NM_001160264.3); short protein forms A88V.
Identifiers: ClinVar variation 1339088 (VCV001339088.3), dbSNP rs893917390, ClinGen allele CA165948283.

ClinVar aggregate classification (germline): Uncertain significance. Review status: criteria provided, multiple submitters, no conflicts (2 of 4 stars). 2 submissions from 2 submitters: Uncertain significance (2). Last evaluated 2024-01-08.

Conditions:
Inborn genetic diseases. Identifiers: MedGen C0950123, MeSH D030342.
Hypogonadotropic hypogonadism 22 with or without anosmia (HH22). Identifiers: Orphanet 478, MedGen C4014988, MONDO:0014461, OMIM 616030.

Allele frequency attached by ClinVar (database versions not stated): gnomAD 0.00001 and 0.00014; TOPMed 0.00012.
gnomAD v4.1: 23 of 1,600,586 alleles (0.0014%); highest among the groups gnomAD compares: Non-Finnish European, 0.00034%; no homozygotes.

Submissions (2):

Ambry Genetics
Classification: Uncertain significance for Inborn genetic diseases. Last evaluated: 2024-01-08. Review status: criteria provided, single submitter. Criteria: Ambry Variant Classification Scheme 2023. Collection method: clinical testing. Allele origin: germline.

Neuberg Centre For Genomic Medicine, NCGM
Classification: Uncertain significance for Hypogonadotropic hypogonadism 22 with or without anosmia. Review status: criteria provided, single submitter. Criteria: ACMG Guidelines, 2015. Collection method: clinical testing. Allele origin: germline. Affected: yes.
Comment: The missense variant p.A88V in FEZF1 (NM_001024613.4) has not been reported previously as a pathogenic variant nor as a benign variant, to our knowledge. The p.A88V variant is novel (not in any individuals) in gnomAD Exomes and is novel (not in any individuals) in 1000 Genomes. In silico tools are contradictory in their predictions (SIFT-Damaging, Polyphen-Tolerated) and the residue is conserved across species. For these reasons, this variant has been classified as Uncertain Significance.